The following is an entry in ClinVar:

ClinVar aggregate classification (germline): Uncertain significance (1 of 4 stars; one submission).

Conditions:
CHD7-related CHARGE syndrome. Identifiers: MedGen CN380413, MONDO:1010178, OMIM 214800.
Hypogonadotropic hypogonadism 5 with or without anosmia (KAL5). Also called: HYPOGONADOTROPIC HYPOGONADISM 5 WITH ANOSMIA; HYPOGONADOTROPHIC HYPOGONADISM 5 WITHOUT ANOSMIA; CHD7-Related GnRH Deficiency (Kallmann Syndrome 5). Identifiers: Orphanet 478, MedGen C3552553, MONDO:0012880, OMIM 612370. Disease mechanism: loss of function.

Submission:

Juno Genomics, Hangzhou Juno Genomics, Inc
Classification: Uncertain significance for CHD7-related CHARGE syndrome; Hypogonadotropic hypogonadism 5 with or without anosmia. Review status: criteria provided, single submitter. Criteria: ACMG Guidelines, 2015. Collection method: clinical testing. Allele origin: germline.
Comment: Absent from controls (or at extremely low frequency if recessive) in Genome Aggregation Database.;Missense variant in a gene that has a low rate of benign missense variation.

NM_017780.4(CHD7):c.5704T>A (p.Tyr1902Asn)

Gene: CHD7 (chromodomain helicase DNA binding protein 7; plus strand). Cytogenetic location: 8q12.2.
Variant type: single nucleotide variant.
Coding change: c.5704T>A on transcript NM_017780.4 (MANE Select); coding-DNA position 5704, T replaced by A.
Protein change: p.Tyr1902Asn; replaces tyrosine 1902 with asparagine.
Molecular consequence: missense variant. On other transcripts: intron variant (1).
Genome position (GRCh38, 1-based): chr8:60,852,057, T>A. VCF-style: chr8-60852057-T-A. GRCh37 (hg19) VCF-style: chr8-61764616-T-A.
Other names: c.1717-10172T>A (NM_001316690.1); short protein forms Y1902N.
Identifiers: ClinVar variation 5018550 (VCV005018550.2).
Genomic context (GRCh38, chr8:60,852,057, plus strand): 5'-AAATGTTTTTCCACTTCCCCAGGCAAGCACAGTGAGAGTAATGCTGAGTTAGGCCAACTT[T>A]ACTGGCCTAACACTTCAACCCTGACTACACGTCTGCGCCGGCTCATTACTGCCTATCAGC-3'
Protein context (NP_060250.2, residues 1892-1912): SESNAELGQL[Tyr1902Asn]WPNTSTLTTR